The following is an entry in ClinVar:

NM_001110556.2(FLNA):c.1365C>T (p.Thr455=)

Gene: FLNA (filamin A; minus strand). Cytogenetic location: Xq28.
Variant type: single nucleotide variant.
Coding change: c.1365C>T on transcript NM_001110556.2 (MANE Select); coding-DNA position 1365, C replaced by T.
Protein change: p.Thr455=; no amino-acid change (threonine 455 retained).
Molecular consequence: synonymous variant.
Genome position (GRCh38, 1-based): chrX:154,366,088, G>A on the plus strand (C>T on the coding strand, the complement: FLNA is on the minus strand). VCF-style: chrX-154366088-G-A. GRCh37 (hg19) VCF-style: chrX-153594456-G-A.
Other names: c.1365C>T, p.Thr455= (NM_001456.4).
Identifiers: ClinVar variation 510965 (VCV000510965.37), dbSNP rs782726997, ClinGen allele CA10561200.

ClinVar aggregate classification (germline): Likely benign. Review status: criteria provided, multiple submitters, no conflicts (2 of 4 stars). 6 submissions from 6 submitters: Likely benign (6). Last evaluated 2026-05-01.

Conditions:
Frontometaphyseal dysplasia (FMD1). Identifiers: Orphanet 1826, MedGen C0265293, MONDO:0015942.
Heterotopia, periventricular, X-linked dominant (PVNH1). Also called: X-linked periventricular heterotopia; PERIVENTRICULAR NODULAR HETEROTOPIA 4; HETEROTOPIA, PERIVENTRICULAR, 1; PERIVENTRICULAR NODULAR HETEROTOPIA 1. Identifiers: Orphanet 2149, Orphanet 82004, MedGen C1848213, MONDO:0010233, OMIM 300049.
Oto-palato-digital syndrome, type II (OPD2). Also called: Otopalatodigital Syndrome Type 2 (FLNA-OPD2); FACIOPALATOOSSEOUS SYNDROME; Otopalatodigital Syndrome, Type II; OPD II SYNDROME. Identifiers: Orphanet 669, Orphanet 90652, MedGen C1844696, MONDO:0010571, OMIM 304120.
Melnick-Needles syndrome (MNS). Also called: Melnick-Needles Syndrome (FLNA-MNS); MELNICK-NEEDLES OSTEODYSPLASTY; OSTEODYSPLASTY OF MELNICK AND NEEDLES. Identifiers: Orphanet 2484, MedGen C0025237, MONDO:0010650, OMIM 309350.
Familial thoracic aortic aneurysm and aortic dissection (TAAD). Also called: Thoracic aortic aneurysms and dissections. Identifiers: Orphanet 91387, MedGen C4707243, MONDO:0019625.

Allele frequency attached by ClinVar (database versions not stated): TOPMed 0.00002; gnomAD 0.00003; gnomAD exomes 0.00003 and 0.00005; ExAC 0.00005.

Submissions (6):

CeGaT Center for Human Genetics Tuebingen
Classification: Likely benign. Last evaluated: 2026-05-01. Review status: criteria provided, single submitter. Criteria: CeGaT Center For Human Genetics Tuebingen Variant Classification Criteria Version 2. Collection method: clinical testing. Allele origin: germline. Affected: yes. Observed: 2 variant alleles.
Comment: FLNA: BP4, BP7, BS2

Labcorp Genetics (formerly Invitae), Labcorp
Classification: Likely benign for Oto-palato-digital syndrome, type II; Heterotopia, periventricular, X-linked dominant; Frontometaphyseal dysplasia; Melnick-Needles syndrome. Last evaluated: 2025-11-23. Review status: criteria provided, single submitter. Criteria: Invitae Variant Classification Sherloc (09022015). Collection method: clinical testing. Allele origin: germline.

Laboratory of Genetics, Children's Clinical University Hospital Latvia
Classification: Likely benign. Last evaluated: 2025-02-16. Review status: criteria provided, single submitter. Criteria: ACMG Guidelines, 2015. Collection method: clinical testing. Allele origin: germline. Affected: yes.

Blueprint Genetics
Classification: Likely benign. Last evaluated: 2024-10-23. Review status: criteria provided, single submitter. Criteria: ACMG Guidelines, 2015. Collection method: clinical testing. Allele origin: germline.

Ambry Genetics
Classification: Likely benign for Familial thoracic aortic aneurysm and aortic dissection. Last evaluated: 2020-08-25. Review status: criteria provided, single submitter. Criteria: Ambry Variant Classification Scheme 2023. Collection method: clinical testing. Allele origin: germline.

GeneDx
Classification: Likely benign. Last evaluated: 2017-07-19. Review status: criteria provided, single submitter. Criteria: GeneDx Variant Classification (06012015). Collection method: clinical testing. Allele origin: germline. Affected: yes.
Comment: This variant is considered likely benign or benign based on one or more of the following criteria: it is a conservative change, it occurs at a poorly conserved position in the protein, it is predicted to be benign by multiple in silico algorithms, and/or has population frequency not consistent with disease.